The following is an entry in ClinVar:

ClinVar aggregate classification (germline): Uncertain significance. Review status: criteria provided, multiple submitters, no conflicts (2 of 4 stars). 2 submissions from 2 submitters: Uncertain significance (2). Last evaluated 2025-11-24.

Allele frequency attached by ClinVar (database versions not stated): gnomAD exomes below 0.00001 and 0.00001; ExAC 0.00001.
gnomAD v4.1: 4 of 1,613,900 alleles (0.00025%); highest among the groups gnomAD compares: Admixed American, 0.0017%; no homozygotes.

Submissions (2):

Labcorp Genetics (formerly Invitae), Labcorp
Classification: Uncertain significance. Last evaluated: 2025-11-24. Review status: criteria provided, single submitter. Criteria: Invitae Variant Classification Sherloc (09022015). Collection method: clinical testing. Allele origin: germline.
Comment: This sequence change replaces isoleucine, which is neutral and non-polar, with valine, which is neutral and non-polar, at codon 173 of the IMPAD1 protein (p.Ile173Val). This variant is present in population databases (rs779777456, gnomAD 0.002%). This variant has not been reported in the literature in individuals affected with IMPAD1-related conditions. ClinVar contains an entry for this variant (Variation ID: 1681099). An algorithm developed to predict the effect of missense changes on protein structure and function (PolyPhen-2) suggests that this variant is likely to be disruptive. In summary, the available evidence is currently insufficient to determine the role of this variant in disease. Therefore, it has been classified as a Variant of Uncertain Significance.

Blueprint Genetics
Classification: Uncertain significance. Last evaluated: 2020-01-07. Review status: criteria provided, single submitter. Criteria: ACMG Guidelines, 2015. Collection method: clinical testing. Allele origin: germline.

NM_017813.5(BPNT2):c.517A>G (p.Ile173Val)

Gene: BPNT2 (3'(2'), 5'-bisphosphate nucleotidase 2; minus strand). Cytogenetic location: 8q12.1.
Variant type: single nucleotide variant.
Coding change: c.517A>G on transcript NM_017813.5 (MANE Select); coding-DNA position 517, A replaced by G.
Protein change: p.Ile173Val; replaces isoleucine 173 with valine.
Molecular consequence: missense variant.
Genome position (GRCh38, 1-based): chr8:56,980,068, T>C on the plus strand (A>G on the coding strand, the complement: BPNT2 is on the minus strand). VCF-style: chr8-56980068-T-C. GRCh37 (hg19) VCF-style: chr8-57892627-T-C.
Other names: short protein forms I173V.
Identifiers: ClinVar variation 1681099 (VCV001681099.7), dbSNP rs779777456, ClinGen allele CA4755905.